The following is an entry in ClinVar:

ClinVar aggregate classification (germline): Conflicting classifications of pathogenicity. Review status: criteria provided, conflicting classifications (1 of 4 stars). 3 submissions from 3 submitters: Uncertain significance (2); Likely benign (1). Last evaluated 2026-06-24.

Conditions:
Developmental disorder. Identifiers: MedGen C0008073.
Radio-Tartaglia syndrome. Identifiers: Orphanet 662234, MedGen C5543339, MONDO:0859143, OMIM 619312.

Allele frequency attached by ClinVar (database versions not stated): gnomAD 0.00001; TOPMed 0.00001.
gnomAD v4.1: 5 of 1,484,480 alleles (0.00034%); highest among the groups gnomAD compares: Non-Finnish European, 0.00045%; no homozygotes.

Submissions (3):

Women's Health and Genetics/Laboratory Corporation of America, LabCorp
Classification: Uncertain significance. Last evaluated: 2026-06-24. Review status: criteria provided, single submitter. Criteria: LabCorp Variant Classification Summary - May 2015. Collection method: clinical testing. Allele origin: germline.
Comment: Variant summary: SPEN c.92G>A (p.Arg31His) results in a non-conservative amino acid change in the encoded protein sequence. Algorithms developed to predict the effect of missense changes on protein structure and function are either unavailable or do not agree on the potential impact of this missense change. The variant was absent in 191196 control chromosomes. The available data on variant occurrences in the general population are insufficient to allow any conclusion about variant significance. To our knowledge, no occurrence of c.92G>A in individuals affected with SPEN-related conditions and no experimental evidence demonstrating its impact on protein function have been reported. ClinVar contains an entry for this variant (Variation ID: 1343198). Based on the evidence outlined above, the variant was classified as uncertain significance.

Department of Genetics, Rouen University Hospital, Normandy Center for Genomic and Personalized Medicine
Classification: Likely benign for Developmental disorder. Last evaluated: 2021-04-09. Review status: criteria provided, single submitter. Criteria: ACMG Guidelines, 2015. Collection method: clinical testing. Allele origin: maternal. Affected: yes.

Institute of Human Genetics, Clinical Exome/Genome Diagnostics Group, University Hospital Bonn
Classification: Uncertain significance for Radio-Tartaglia syndrome. Review status: criteria provided, single submitter. Criteria: ACMG Guidelines, 2015. Collection method: clinical testing. Allele origin: germline. Affected: yes.

NM_015001.3(SPEN):c.92G>A (p.Arg31His)

Gene: SPEN (spen family transcriptional repressor; plus strand). Cytogenetic location: 1p36.21.
Variant type: single nucleotide variant.
Coding change: c.92G>A on transcript NM_015001.3 (MANE Select); coding-DNA position 92, G replaced by A.
Protein change: p.Arg31His; replaces arginine 31 with histidine.
Molecular consequence: missense variant.
Genome position (GRCh38, 1-based): chr1:15,872,824, G>A. VCF-style: chr1-15872824-G-A. GRCh37 (hg19) VCF-style: chr1-16199319-G-A.
Other names: short protein forms R31H.
Identifiers: ClinVar variation 1343198 (VCV001343198.4), dbSNP rs1460194680, ClinGen allele CA338595945.
Genomic context (GRCh38, chr1:15,872,824, plus strand): 5'-ATTTTGGAAAATTATTGATATGCAGCAATAACGTTGACTTTATTTTTTCCAGATATGGCC[G>A]CGTGGAAAGTGTCAAAATTCTTCCCAAGAGGGGATCTGAAGGAGGAGTGGCTGCCTTTGT-3'
Protein context (NP_055816.2, residues 21-41): KIIEHFKRYG[Arg31His]VESVKILPKR